The following is an entry in ClinVar:

NM_000258.3(MYL3):c.380C>G (p.Thr127Arg)

Gene: MYL3 (myosin light chain 3; minus strand). Cytogenetic location: 3p21.31.
Variant type: single nucleotide variant.
Coding change: c.380C>G on transcript NM_000258.3 (MANE Select); coding-DNA position 380, C replaced by G.
Protein change: p.Thr127Arg; replaces threonine 127 with arginine.
Molecular consequence: missense variant.
Genome position (GRCh38, 1-based): chr3:46,859,576, G>C on the plus strand (C>G on the coding strand, the complement: MYL3 is on the minus strand). VCF-style: chr3-46859576-G-C. GRCh37 (hg19) VCF-style: chr3-46901066-G-C.
Other names: p.T127R:ACA>AGA; short protein forms T127R.
Identifiers: ClinVar variation 181443 (VCV000181443.2), dbSNP rs730880958, ClinGen allele CA013755.

ClinVar aggregate classification (germline): Uncertain significance (1 of 4 stars; one submission).

Submission:

GeneDx
Classification: Uncertain significance. Last evaluated: 2013-08-03. Review status: criteria provided, single submitter. Criteria: GeneDx Variant Classification (06012015). Collection method: clinical testing. Allele origin: germline. Affected: yes.
Comment: The Thr127Arg variant in the MYL3 gene has not been reported as a disease-causing mutation or as a benign polymorphism to our knowledge. Thr127Arg was not observed in approximately 6500 individuals of European and African American ancestry in the NHLBI Exome Sequencing Project, indicating it is not a common benign variant in these populations. Thr127Arg results in a non-conservative amino acid substitution of neutral Threonine with a positively charged Arginine at a position that is highly conserved across species. One mutation in a nearby residue (Gly128Cys) has been reported in association with HCM. However, in silico analysis predicts Thr127Arg is benign to the protein structure/function. With the clinical and molecular information available at this time, it cannot be determined if Thr127Arg is a disease-causing mutation or a rare benign variant. The variant is found in HCM panel(s).